The following is an entry in ClinVar:

ClinVar aggregate classification (germline): Uncertain significance. Review status: criteria provided, multiple submitters, no conflicts (2 of 4 stars). 2 submissions from 2 submitters: Uncertain significance (2). Last evaluated 2025-10-22.

Conditions:
ZEB1-related disorder. Also called: ZEB1-related condition.
Inborn genetic diseases. Identifiers: MedGen C0950123, MeSH D030342.

gnomAD v4.1: 2 of 1,613,966 alleles (0.00012%); highest among the groups gnomAD compares: African/African-American, 0.0027%; no homozygotes.

Submissions (2):

Ambry Genetics
Classification: Uncertain significance for Inborn genetic diseases. Last evaluated: 2025-10-22. Review status: criteria provided, single submitter. Criteria: Ambry Variant Classification Scheme 2023. Collection method: clinical testing. Allele origin: germline.

PreventionGenetics, part of Exact Sciences
Classification: Uncertain significance for ZEB1-related condition. Last evaluated: 2025-09-24. Review status: criteria provided, single submitter. Criteria: ACMG Guidelines, 2015. Collection method: clinical testing. Allele origin: germline.
Comment: The ZEB1 c.1533T>A variant is predicted to result in the amino acid substitution p.Asp511Glu. To our knowledge, this variant has not been reported in the literature. This variant is reported in 0.0062% of alleles in individuals of African descent in gnomAD. At this time, the clinical significance of this variant is uncertain due to the absence of conclusive functional and genetic evidence.

NM_001174096.2(ZEB1):c.1536T>A (p.Asp512Glu)

Gene: ZEB1 (zinc finger E-box binding homeobox 1; plus strand). Cytogenetic location: 10p11.22.
Variant type: single nucleotide variant.
Coding change: c.1536T>A on transcript NM_001174096.2 (MANE Select); coding-DNA position 1536, T replaced by A.
Protein change: p.Asp512Glu; replaces aspartic acid 512 with glutamic acid.
Molecular consequence: missense variant.
Genome position (GRCh38, 1-based): chr10:31,520,868, T>A. VCF-style: chr10-31520868-T-A. GRCh37 (hg19) VCF-style: chr10-31809796-T-A.
Other names: c.879T>A, p.Asp293Glu (NM_001323642.2, NM_001323643.2, NM_001323644.2 and 27 more transcripts); c.1485T>A, p.Asp495Glu (NM_001128128.3); c.1473T>A, p.Asp491Glu (NM_001174093.2); c.1482T>A, p.Asp494Glu (NM_001174094.2); c.1332T>A, p.Asp444Glu (NM_001174095.2); c.1311T>A, p.Asp437Glu (NM_001323674.2); c.1269T>A, p.Asp423Glu (NM_001323675.2); c.1494T>A, p.Asp498Glu (NM_001323676.2); and 3 more; short protein forms D494E, D512E, D423E, D495E, D420E, D437E, D491E, D498E.
Identifiers: ClinVar variation 4635005 (VCV004635005.2).